The following is an entry in ClinVar:

NM_001378477.3(NYX):c.1067C>T (p.Pro356Leu)

Gene: NYX (nyctalopin; plus strand). Cytogenetic location: Xp11.4.
Variant type: single nucleotide variant.
Coding change: c.1067C>T on transcript NM_001378477.3 (MANE Select); coding-DNA position 1067, C replaced by T.
Protein change: p.Pro356Leu; replaces proline 356 with leucine.
Molecular consequence: missense variant.
Genome position (GRCh38, 1-based): chrX:41,474,535, C>T. VCF-style: chrX-41474535-C-T. GRCh37 (hg19) VCF-style: chrX-41333788-C-T.
Other names: c.1067C>T, p.Pro356Leu (NM_022567.3); short protein forms P356L.
Identifiers: ClinVar variation 3696769 (VCV003696769.2).

ClinVar aggregate classification (germline): Uncertain significance (1 of 4 stars; one submission).

Submission:

Labcorp Genetics (formerly Invitae), Labcorp
Classification: Uncertain significance. Last evaluated: 2024-03-01. Review status: criteria provided, single submitter. Criteria: Invitae Variant Classification Sherloc (09022015). Collection method: clinical testing. Allele origin: germline.
Comment: This sequence change replaces proline, which is neutral and non-polar, with leucine, which is neutral and non-polar, at codon 361 of the NYX protein (p.Pro361Leu). This variant is not present in population databases (gnomAD no frequency). This variant has not been reported in the literature in individuals affected with NYX-related conditions. Advanced modeling of protein sequence and biophysical properties (such as structural, functional, and spatial information, amino acid conservation, physicochemical variation, residue mobility, and thermodynamic stability) performed at Invitae indicates that this missense variant is not expected to disrupt NYX protein function with a negative predictive value of 80%. In summary, the available evidence is currently insufficient to determine the role of this variant in disease. Therefore, it has been classified as a Variant of Uncertain Significance.